The following is an entry in ClinVar:

NM_033380.3(COL4A5):c.680G>A (p.Gly227Asp)

Gene: COL4A5 (collagen type IV alpha 5 chain; plus strand). Cytogenetic location: Xq22.3.
Variant type: single nucleotide variant.
Coding change: c.680G>A on transcript NM_033380.3 (MANE Select); coding-DNA position 680, G replaced by A.
Protein change: p.Gly227Asp; replaces glycine 227 with aspartic acid.
Molecular consequence: missense variant.
Genome position (GRCh38, 1-based): chrX:108,578,112, G>A. VCF-style: chrX-108578112-G-A. GRCh37 (hg19) VCF-style: chrX-107821342-G-A.
Other names: c.680G>A, p.Gly227Asp (NM_000495.5); short protein forms G227D.
Identifiers: ClinVar variation 3341476 (VCV003341476.2), dbSNP rs1569490446.

ClinVar aggregate classification (germline): Conflicting classifications of pathogenicity. Review status: criteria provided, conflicting classifications (1 of 4 stars). 2 submissions from 2 submitters: Likely pathogenic (1); Uncertain significance (1). Last evaluated 2025-10-28.

Conditions:
X-linked Alport syndrome (ATS1). Also called: NEPHROPATHY AND DEAFNESS, X-LINKED; COL4A5-Related Nephropathy. Identifiers: Orphanet 63, Orphanet 88917, MedGen C4746986, MONDO:0010520, OMIM 301050.

Submissions (2):

Myriad Genetics, Inc.
Classification: Likely pathogenic for X-linked Alport syndrome. Last evaluated: 2025-10-28. Review status: criteria provided, single submitter. Criteria: Myriad Autosomal Dominant, Autosomal Recessive and X-Linked Classification Criteria (2023). Collection method: clinical testing. Allele origin: unknown.
Comment: NM_000495.4(COL4A5):c.680G>A(G227D) is a missense variant classified as likely pathogenic in the context of X-linked Alport syndrome. G227D has been observed in a case with relevant disease (PMID: 26809805). Relevant functional assessments of this variant are not available in the literature. Internal structural analysis of the variant is supportive of pathogenicity. G227D has not been observed in referenced population frequency databases. In summary, NM_000495.4(COL4A5):c.680G>A(G227D) is a missense variant that has internal structural support for pathogenicity and has been observed more frequently in cases with the relevant disease than in healthy populations. Please note: this variant was assessed in the context of healthy population screening.

Neuberg Centre For Genomic Medicine, NCGM
Classification: Uncertain significance for X-linked Alport syndrome. Last evaluated: 2023-05-20. Review status: criteria provided, single submitter. Criteria: ACMG Guidelines, 2015. Collection method: clinical testing. Allele origin: germline. Inheritance: X-linked dominant inheritance. Affected: yes.
Comment: The observed missense variant c.680G>A (p.Gly227Asp) in COL4A5 gene has not been reported previously as a pathogenic variant nor as a benign variant, to our knowledge. The p.Gly227Asp variant is absent in gnomAD Exomes. This variant has not been submitted to the ClinVar database. Multiple lines of computational evidence (Polyphen - Damaging, SIFT - Damaging and Mutation Taster - Disease causing) predict a damaging effect on protein structure and function for this variant. The amino acid change p.Gly227Asp in COL4A5 is predicted as conserved by GERP++ and PhyloP across 100 vertebrates. The amino acid Gly at position 227 is changed to a Asp changing protein sequence and it might alter its composition and physico-chemical properties. For these reasons, this variant has been classified as Variant of Uncertain Significance (VUS).

Literature cited by the submitters: PubMed 26809805 (cited by Myriad Genetics, Inc.).